The following is an entry in ClinVar:

NM_138927.4(SON):c.5287C>T (p.Arg1763Cys)

Gene: SON (SON DNA and RNA binding protein; plus strand). Cytogenetic location: 21q22.11.
Variant type: single nucleotide variant.
Coding change: c.5287C>T on transcript NM_138927.4 (MANE Select); coding-DNA position 5287, C replaced by T.
Protein change: p.Arg1763Cys; replaces arginine 1763 with cysteine.
Molecular consequence: missense variant. On other transcripts: non-coding transcript variant (1), intron variant (1).
Genome position (GRCh38, 1-based): chr21:33,554,518, C>T. VCF-style: chr21-33554518-C-T. GRCh37 (hg19) VCF-style: chr21-34926824-C-T.
Other names: c.5287C>T, p.Arg1763Cys (NM_001291411.2, NM_001412133.1, NM_032195.3 and 2 more transcripts); c.245-2638C>T (NM_001291412.3); short protein forms R1763C.
Identifiers: ClinVar variation 2176940 (VCV002176940.4), dbSNP rs199717154, ClinGen allele CA10009704.

ClinVar aggregate classification (germline): Uncertain significance (1 of 4 stars; one submission).

Allele frequency attached by ClinVar (database versions not stated): gnomAD 0.00003; ExAC 0.00005; TOPMed 0.00005.
gnomAD v4.1: 68 of 1,613,948 alleles (0.0042%); highest among the groups gnomAD compares: Admixed American, 0.015%; no homozygotes.

Submission:

Labcorp Genetics (formerly Invitae), Labcorp
Classification: Uncertain significance. Last evaluated: 2025-09-17. Review status: criteria provided, single submitter. Criteria: Invitae Variant Classification Sherloc (09022015). Collection method: clinical testing. Allele origin: germline.
Comment: This sequence change replaces arginine, which is basic and polar, with cysteine, which is neutral and slightly polar, at codon 1763 of the SON protein (p.Arg1763Cys). This variant is present in population databases (rs199717154, gnomAD 0.02%). This variant has not been reported in the literature in individuals affected with SON-related conditions. ClinVar contains an entry for this variant (Variation ID: 2176940). An algorithm developed to predict the effect of missense changes on protein structure and function (PolyPhen-2) suggests that this variant is likely to be disruptive. In summary, the available evidence is currently insufficient to determine the role of this variant in disease. Therefore, it has been classified as a Variant of Uncertain Significance.